The following is an entry in ClinVar:

NM_001136472.2(LITAF):c.155A>T (p.Asp52Val)

Gene: LITAF (lipopolysaccharide induced TNF factor; minus strand). Cytogenetic location: 16p13.13.
Variant type: single nucleotide variant.
Coding change: c.155A>T on transcript NM_001136472.2 (MANE Select); coding-DNA position 155, A replaced by T.
Protein change: p.Asp52Val; replaces aspartic acid 52 with valine.
Molecular consequence: missense variant. On other transcripts: non-coding transcript variant (1).
Genome position (GRCh38, 1-based): chr16:11,556,576, T>A on the plus strand (A>T on the coding strand, the complement: LITAF is on the minus strand). VCF-style: chr16-11556576-T-A. GRCh37 (hg19) VCF-style: chr16-11650432-T-A.
Other names: c.155A>T, p.Asp52Val (NM_001136473.1, NM_004862.4); short protein forms D52V.
Identifiers: ClinVar variation 4997271 (VCV004997271.1).

ClinVar aggregate classification (germline): Uncertain significance (1 of 4 stars; one submission).

Conditions:
LITAF-related disorder. Also called: LITAF-related condition.

gnomAD v4.1: 19 of 1,614,134 alleles (0.0012%); highest among the groups gnomAD compares: Non-Finnish European, 0.0016%; no homozygotes.

Submission:

PreventionGenetics, part of Exact Sciences
Classification: Uncertain significance for LITAF-related condition. Last evaluated: 2026-07-22. Review status: criteria provided, single submitter. Criteria: ACMG Guidelines, 2015. Collection method: clinical testing. Allele origin: germline.
Comment: The LITAF c.155A>T variant is predicted to result in the amino acid substitution p.Asp52Val. To our knowledge, this variant has not been reported in the literature or in a large population database (gnomAD), indicating this variant is rare. At this time, the clinical significance of this variant is uncertain due to the absence of conclusive functional and genetic evidence.